The following is an entry in ClinVar:

NM_022166.4(XYLT1):c.45C>G (p.His15Gln)

Gene: XYLT1 (xylosyltransferase 1; minus strand). Cytogenetic location: 16p12.3.
Variant type: single nucleotide variant.
Coding change: c.45C>G on transcript NM_022166.4 (MANE Select); coding-DNA position 45, C replaced by G.
Protein change: p.His15Gln; replaces histidine 15 with glutamine.
Molecular consequence: missense variant.
Genome position (GRCh38, 1-based): chr16:17,470,752, G>C on the plus strand (C>G on the coding strand, the complement: XYLT1 is on the minus strand). VCF-style: chr16-17470752-G-C. GRCh37 (hg19) VCF-style: chr16-17564609-G-C.
Other names: short protein forms H15Q.
Identifiers: ClinVar variation 2154805 (VCV002154805.3), dbSNP rs1303704812, ClinGen allele CA395220510.

ClinVar aggregate classification (germline): Uncertain significance (1 of 4 stars; one submission).

Conditions:
Desbuquois dysplasia 1 (DBQD1). Also called: MICROMELIC DWARFISM WITH VERTEBRAL AND METAPHYSEAL ABNORMALITIES AND ADVANCED CARPOTARSAL OSSIFICATION; DESBUQUOIS DYSPLASIA 1, KIM VARIANT. Identifiers: Orphanet 1425, MedGen C4012146, MONDO:0009629, OMIM 251450.

Allele frequency attached by ClinVar (database versions not stated): gnomAD 0.00001; gnomAD exomes 0.00001.
gnomAD v4.1: 7 of 1,103,456 alleles (0.00063%); highest among the groups gnomAD compares: South Asian, 0.0088%; no homozygotes.

Submission:

Labcorp Genetics (formerly Invitae), Labcorp
Classification: Uncertain significance for Desbuquois dysplasia 1. Last evaluated: 2024-12-16. Review status: criteria provided, single submitter. Criteria: Invitae Variant Classification Sherloc (09022015). Collection method: clinical testing. Allele origin: germline.
Comment: This sequence change replaces histidine, which is basic and polar, with glutamine, which is neutral and polar, at codon 15 of the XYLT1 protein (p.His15Gln). The frequency data for this variant in the population databases is considered unreliable, as metrics indicate poor data quality at this position in the gnomAD database. This variant has not been reported in the literature in individuals affected with XYLT1-related conditions. ClinVar contains an entry for this variant (Variation ID: 2154805). Experimental studies and prediction algorithms are not available or were not evaluated, and the functional significance of this variant is currently unknown. In summary, the available evidence is currently insufficient to determine the role of this variant in disease. Therefore, it has been classified as a Variant of Uncertain Significance.